The following is an entry in ClinVar:

ClinVar aggregate classification (germline): Likely benign (1 of 4 stars; one submission).

gnomAD v4.1: 11 of 1,208,972 alleles (0.00091%); highest among the groups gnomAD compares: Admixed American, 0.0088%; no homozygotes.

Submission:

CeGaT Center for Human Genetics Tuebingen
Classification: Likely benign. Last evaluated: 2025-11-01. Review status: criteria provided, single submitter. Criteria: CeGaT Center For Human Genetics Tuebingen Variant Classification Criteria Version 2. Collection method: clinical testing. Allele origin: germline. Affected: yes. Observed: 1 variant allele.
Comment: ZFX: BP4, BP7

NM_003410.4(ZFX):c.1017C>T (p.Ala339=)

Gene: ZFX (zinc finger protein X-linked; plus strand). Cytogenetic location: Xp22.11.
Variant type: single nucleotide variant.
Coding change: c.1017C>T on transcript NM_003410.4 (MANE Select); coding-DNA position 1017, C replaced by T.
Protein change: p.Ala339=; no amino-acid change (alanine 339 retained).
Molecular consequence: synonymous variant.
Genome position (GRCh38, 1-based): chrX:24,208,294, C>T. VCF-style: chrX-24208294-C-T. GRCh37 (hg19) VCF-style: chrX-24226411-C-T.
Other names: c.1017C>T, p.Ala339= (NM_001178084.2, NM_001178085.1, NM_001178095.2); c.330C>T, p.Ala110= (NM_001178086.2); c.1134C>T, p.Ala378= (NM_001330327.2).
Identifiers: ClinVar variation 4535146 (VCV004535146.6).